The following is an entry in ClinVar:

ClinVar aggregate classification (germline): Likely pathogenic (1 of 4 stars; one submission).

Allele frequency attached by ClinVar (database versions not stated): gnomAD exomes 0.00004.

Submission:

GeneDx
Classification: Likely pathogenic. Last evaluated: 2018-05-10. Review status: criteria provided, single submitter. Criteria: GeneDx Variant Classification (06012015). Collection method: clinical testing. Allele origin: germline. Affected: yes.
Comment: The c.1260 G>C variant in the IKBKG gene has not been published as a pathogenic variant, nor has it been reported as a benign variant to our knowledge. The nucleotide substitution destroys the Stop codon at position Stop 420, changes this codon to a Tyrosine and creates a new Stop codon at position 27 of the new reading frame, denoted p.Ter420TyrextX27. However, without supporting functional studies, it cannot be definitively determined that this protein elongation will have deleterious affect. In summary, this variant is likely pathogenic; however, the possibility that it is benign cannot be excluded.

NM_001099857.5(IKBKG):c.1260G>C (p.Ter420Tyr)

Gene: IKBKG (inhibitor of nuclear factor kappa B kinase regulatory subunit gamma; plus strand). Cytogenetic location: Xq28.
Variant type: single nucleotide variant.
Coding change: c.1260G>C on transcript NM_001099857.5 (MANE Select); coding-DNA position 1260, G replaced by C.
Protein change: p.Ter420Tyr.
Molecular consequence: stop lost. On other transcripts: non-coding transcript variant (1).
Genome position (GRCh38, 1-based): chrX:154,564,461, G>C. VCF-style: chrX-154564461-G-C. GRCh37 (hg19) VCF-style: chrX-153792676-G-C.
Other names: *420Y; *419Y; *321Y; *488Y; c.1464G>C, p.Ter488Tyr (NM_001099856.6); c.963G>C, p.Ter321Tyr (NM_001145255.4); c.1260G>C, p.Ter420Tyr (NM_001321396.3, NM_001377312.1, NM_003639.4); c.1257G>C, p.Ter419Tyr (NM_001321397.3, NM_001377313.1); and 2 more.
Identifiers: ClinVar variation 453078 (VCV000453078.2), dbSNP rs1557236929, ClinGen allele CA415220602.